The following is an entry in ClinVar:

NM_004360.5(CDH1):c.302A>G (p.Tyr101Cys)

Gene: CDH1 (cadherin 1; plus strand). Cytogenetic location: 16q22.1.
Variant type: single nucleotide variant.
Coding change: c.302A>G on transcript NM_004360.5 (MANE Select); coding-DNA position 302, A replaced by G.
Protein change: p.Tyr101Cys; replaces tyrosine 101 with cysteine.
Molecular consequence: missense variant. On other transcripts: 5 prime UTR variant (2).
Genome position (GRCh38, 1-based): chr16:68,801,808, A>G. VCF-style: chr16-68801808-A-G. GRCh37 (hg19) VCF-style: chr16-68835711-A-G.
Other names: c.302A>G, p.Tyr101Cys (NM_001317184.2); c.-1314A>G (NM_001317185.2); c.-1518A>G (NM_001317186.2); short protein forms Y101C.
Identifiers: ClinVar variation 2815162 (VCV002815162.4), dbSNP rs2152126877, ClinGen allele CA396457343.

ClinVar aggregate classification (germline): Conflicting classifications of pathogenicity. Review status: criteria provided, conflicting classifications (1 of 4 stars). 2 submissions from 2 submitters: Uncertain significance (1); Likely benign (1). Last evaluated 2025-08-07.

Conditions:
Hereditary cancer-predisposing syndrome. Also called: Hereditary Cancer Syndrome; Hereditary neoplastic syndrome; Neoplastic Syndromes, Hereditary; Tumor predisposition. Identifiers: Orphanet 140162, MedGen C0027672, MeSH D009386, MONDO:0015356.
Hereditary diffuse gastric adenocarcinoma (HDGC). Also called: DIFFUSE GASTRIC AND LOBULAR BREAST CANCER SYNDROME. Identifiers: Orphanet 26106, MedGen C1708349, MONDO:0007648, OMIM 137215.

Submissions (2):

Ambry Genetics
Classification: Likely benign for Hereditary cancer-predisposing syndrome. Last evaluated: 2025-08-07. Review status: criteria provided, single submitter. Criteria: Ambry Variant Classification Scheme 2023. Collection method: clinical testing. Allele origin: germline.

Labcorp Genetics (formerly Invitae), Labcorp
Classification: Uncertain significance for Hereditary diffuse gastric adenocarcinoma. Last evaluated: 2022-11-19. Review status: criteria provided, single submitter. Criteria: Invitae Variant Classification Sherloc (09022015). Collection method: clinical testing. Allele origin: germline.
Comment: This sequence change replaces tyrosine, which is neutral and polar, with cysteine, which is neutral and slightly polar, at codon 101 of the CDH1 protein (p.Tyr101Cys). This variant is not present in population databases (gnomAD no frequency). This variant has not been reported in the literature in individuals affected with CDH1-related conditions. Algorithms developed to predict the effect of missense changes on protein structure and function are either unavailable or do not agree on the potential impact of this missense change (SIFT: "Tolerated"; PolyPhen-2: "Possibly Damaging"; Align-GVGD: "Class C0"). In summary, the available evidence is currently insufficient to determine the role of this variant in disease. Therefore, it has been classified as a Variant of Uncertain Significance.